The following is an entry in ClinVar:

NM_001024845.3(SLC6A9):c.1434C>T (p.Tyr478=)

Gene: SLC6A9 (solute carrier family 6 member 9; minus strand). Cytogenetic location: 1p34.1.
Variant type: single nucleotide variant.
Coding change: c.1434C>T on transcript NM_001024845.3 (MANE Select); coding-DNA position 1434, C replaced by T.
Protein change: p.Tyr478=; no amino-acid change (tyrosine 478 retained).
Molecular consequence: synonymous variant. On other transcripts: non-coding transcript variant (1).
Genome position (GRCh38, 1-based): chr1:44,000,957, G>A on the plus strand (C>T on the coding strand, the complement: SLC6A9 is on the minus strand). VCF-style: chr1-44000957-G-A. GRCh37 (hg19) VCF-style: chr1-44466629-G-A.
Other names: c.1446C>T, p.Tyr482= (NM_001261380.2); c.1101C>T, p.Tyr367= (NM_001328626.2, NM_001328630.2); c.1371C>T, p.Tyr457= (NM_001328627.1); c.1239C>T, p.Tyr413= (NM_001328628.1); c.1434C>T, p.Tyr478= (NM_001328629.1); c.1491C>T, p.Tyr497= (NM_006934.4); c.1653C>T, p.Tyr551= (NM_201649.4).
Identifiers: ClinVar variation 2068008 (VCV002068008.3), dbSNP rs200915117, ClinGen allele CA817514.

ClinVar aggregate classification (germline): Uncertain significance (1 of 4 stars; one submission).

Conditions:
Atypical glycine encephalopathy. Also called: Glycine encephalopathy with normal serum glycine. Identifiers: Orphanet 289863, MedGen C4310943, MONDO:0015010, OMIM 617301.

Allele frequency attached by ClinVar (database versions not stated): ExAC 0.00001; gnomAD 0.00001; gnomAD exomes 0.00002; TOPMed 0.00002.
gnomAD v4.1: 24 of 1,601,642 alleles (0.0015%); highest among the groups gnomAD compares: South Asian, 0.0056%; no homozygotes.

Submission:

Labcorp Genetics (formerly Invitae), Labcorp
Classification: Uncertain significance for Atypical glycine encephalopathy. Last evaluated: 2022-05-15. Review status: criteria provided, single submitter. Criteria: Invitae Variant Classification Sherloc (09022015). Collection method: clinical testing. Allele origin: germline.
Comment: In summary, the available evidence is currently insufficient to determine the role of this variant in disease. Therefore, it has been classified as a Variant of Uncertain Significance. Algorithms developed to predict the effect of sequence changes on RNA splicing suggest that this variant is not likely to affect RNA splicing. This variant has not been reported in the literature in individuals affected with SLC6A9-related conditions. This variant is present in population databases (rs200915117, gnomAD 0.007%). This sequence change affects codon 551 of the SLC6A9 mRNA. It is a 'silent' change, meaning that it does not change the encoded amino acid sequence of the SLC6A9 protein. It affects a nucleotide within the consensus splice site.